The following is an entry in ClinVar:

NC_000017.11:g.(?_31155973)_(31297359_?)dup

Genes: NF1 (neurofibromin 1; plus strand), OMG (oligodendrocyte myelin glycoprotein; minus strand). Cytogenetic location: 17q11.2.
Variant type: Duplication.
Identifiers: ClinVar variation 833022 (VCV000833022.1).

ClinVar aggregate classification (germline): Pathogenic (1 of 4 stars; one submission).

Conditions:
Neurofibromatosis, type 1 (NF1). Also called: Peripheral type neurofibromatosis; Neurofibromatosis, type I; VON RECKLINGHAUSEN DISEASE; NEUROFIBROMATOSIS, TYPE I, SOMATIC. Identifiers: Orphanet 636, MedGen C0027831, MONDO:0018975, OMIM 162200. Disease mechanism: loss of function.

Submission:

Labcorp Genetics (formerly Invitae), Labcorp
Classification: Pathogenic for Neurofibromatosis, type 1. Last evaluated: 2019-11-03. Review status: criteria provided, single submitter. Criteria: Invitae Variant Classification Sherloc (09022015). Collection method: clinical testing. Allele origin: germline.
Comment: This variant results in a copy number gain of the genomic region encompassing exons 2-35 of the NF1 gene. While the exact position of this variant cannot be determined from this data, sub-genic copy number gains are generally in tandem (PMID: 25640679) and may result in an absent or disrupted protein product. This variant has been observed in individual(s) with clinical features of neurofibromatosis type 1 (Invitae). Loss-of-function variants in NF1 are known to be pathogenic (PMID: 10712197, 23913538). For these reasons, this variant has been classified as Pathogenic.